The following is an entry in ClinVar:

ClinVar aggregate classification (germline): Likely benign (1 of 4 stars; one submission).

gnomAD v4.1: 8 of 1,614,024 alleles (0.0005%); highest among the groups gnomAD compares: Non-Finnish European, 0.00068%; no homozygotes.

Submission:

Women's Health and Genetics/Laboratory Corporation of America, LabCorp
Classification: Likely benign. Last evaluated: 2026-01-14. Review status: criteria provided, single submitter. Criteria: LabCorp Variant Classification Summary - May 2015. Collection method: clinical testing. Allele origin: germline.
Comment: Variant summary: WARS1 c.513A>G alters a conserved nucleotide resulting in a synonymous change. Consensus agreement among computation tools predict no significant impact on normal splicing. However, these predictions have yet to be confirmed by functional studies. The variant allele was found at a frequency of 5e-06 in 1614024 control chromosomes. The available data on variant occurrences in the general population are insufficient to allow any conclusion about variant significance. To our knowledge, no occurrence of c.513A>G in individuals affected with WARS1-related conditions and no experimental evidence demonstrating its impact on protein function have been reported. No submitters have cited clinical-significance assessments for this variant to ClinVar. Based on the evidence outlined above, the variant was classified as likely benign.

NM_004184.4(WARS1):c.513A>G (p.Val171=)

Gene: WARS1 (tryptophanyl-tRNA synthetase 1; minus strand). Cytogenetic location: 14q32.2.
Variant type: single nucleotide variant.
Coding change: c.513A>G on transcript NM_004184.4 (MANE Select); coding-DNA position 513, A replaced by G.
Protein change: p.Val171=; no amino-acid change (valine 171 retained).
Molecular consequence: synonymous variant.
Genome position (GRCh38, 1-based): chr14:100,354,476, T>C on the plus strand (A>G on the coding strand, the complement: WARS1 is on the minus strand). VCF-style: chr14-100354476-T-C. GRCh37 (hg19) VCF-style: chr14-100820813-T-C.
Other names: c.513A>G, p.Val171= (NM_173701.2); c.390A>G, p.Val130= (NM_213645.2, NM_213646.2).
Identifiers: ClinVar variation 4689406 (VCV004689406.1).